The following is an entry in ClinVar:

NM_007294.4(BRCA1):c.876_879del (p.Thr293fs)

Gene: BRCA1 (BRCA1 DNA repair associated; minus strand). Cytogenetic location: 17q21.31.
Variant type: Deletion.
Coding change: c.876_879del on transcript NM_007294.4 (MANE Select); coding-DNA positions 876 to 879, 4 bases deleted (CACT; older notation c.876_879delCACT).
Protein change: p.Thr293fs; shifts the reading frame from threonine 293.
Molecular consequence: frameshift variant. On other transcripts: 5 prime UTR variant (2), intron variant (137).
Genome position (GRCh38, 1-based): chr17:43,094,652-43,094,655, AGTG deleted on the plus strand (CACT on the coding strand, the reverse complement: BRCA1 is on the minus strand); deleting any 4 consecutive bases within chr17:43,094,652-43,094,658 gives the same sequence; the c. name uses the placement nearest the transcript's 3' end. VCF-style (leftmost placement, unchanged base first): chr17-43094651-TAGTG-T. GRCh37 (hg19) VCF-style: chr17-41246668-TAGTG-T.
Other names: c.876_879delCACT (NM_007294.3); c.876_879del, p.Thr293fs (NM_001407618.1, NM_001407619.1, NM_001407620.1 and 30 more transcripts); c.873_876del, p.Thr292fs (NM_001407627.1, NM_001407636.1, NM_001407637.1 and 22 more transcripts); c.867_870del, p.Thr290fs (NM_001407646.1, NM_001407647.1); c.798_801del, p.Thr267fs (NM_001407657.1, NM_001407658.1, NM_001407663.1 and 4 more transcripts); c.795_798del, p.Thr266fs (NM_001407659.1, NM_001407660.1, NM_001407661.1 and 1 more transcripts); c.753_756del, p.Thr252fs (NM_001407664.1, NM_001407665.1, NM_001407666.1 and 19 more transcripts); c.735_738del, p.Thr246fs (NM_001407694.1, NM_001407695.1, NM_001407696.1 and 29 more transcripts); and 42 more; short protein forms T246fs, T293fs, T223fs, T181fs, T222fs, T292fs, T166fs, T225fs.
Identifiers: ClinVar variation 548186 (VCV000548186.15), dbSNP rs1555592938, ClinGen allele CA658824550.

ClinVar aggregate classification (germline): Pathogenic. Review status: reviewed by expert panel (3 of 4 stars). 3 submissions from 3 submitters: Pathogenic (1). 2 of the submissions do not count toward it. Last evaluated 2017-12-15.

Conditions:
Breast-ovarian cancer, familial, susceptibility to, 1 (BROVCA1). Also called: BRCA1 Hereditary Breast and Ovarian Cancer; OVARIAN CANCER, SUSCEPTIBILITY TO. Identifiers: Orphanet 145, MedGen C2676676, MONDO:0011450, OMIM 604370. Disease mechanism: loss of function.
Hereditary cancer-predisposing syndrome. Also called: Tumor predisposition; Neoplastic Syndromes, Hereditary; Hereditary Cancer Syndrome; Hereditary neoplastic syndrome. Identifiers: Orphanet 140162, MedGen C0027672, MeSH D009386, MONDO:0015356.
Hereditary breast ovarian cancer syndrome. Also called: Hereditary breast and ovarian cancer; Hereditary breast and ovarian cancer syndrome; Hereditary breast and ovarian cancer syndrome (HBOC); Breast and ovarian cancer; BRCA1- and BRCA2-Associated Hereditary Breast and Ovarian Cancer; Hereditary breast and/or ovarian cancer syndrome. Identifiers: Orphanet 145, MedGen C0677776, MeSH D061325, MONDO:0003582. Disease mechanism: loss of function.

Submissions (3):

Evidence-based Network for the Interpretation of Germline Mutant Alleles (ENIGMA)
Classification: Pathogenic for Breast-ovarian cancer, familial, susceptibility to, 1. Last evaluated: 2017-12-15. Review status: reviewed by expert panel. Criteria: ENIGMA BRCA1/2 Classification Criteria (2017-06-29). Collection method: curation. Allele origin: germline. Study: ENIGMA.
Comment: Variant allele predicted to encode a truncated non-functional protein.

Color Diagnostics, LLC DBA Color Health
Classification: Pathogenic for Hereditary cancer-predisposing syndrome. Last evaluated: 2022-08-23. Review status: criteria provided, single submitter. Criteria: ACMG Guidelines, 2015. Collection method: clinical testing. Allele origin: germline. Not counted in ClinVar's aggregate classification.
Comment: This variant deletes 4 nucleotides in exon 10 of the BRCA1 gene, creating a frameshift and premature translation stop signal. This variant is expected to result in an absent or non-functional protein product. This variant has been reported in an individual affected with ovarian cancer (PMID: 30103829, 34072659). This variant has not been identified in the general population by the Genome Aggregation Database (gnomAD). Loss of BRCA1 function is a known mechanism of disease. Based on the available evidence, this variant is classified as Pathogenic.

Labcorp Genetics (formerly Invitae), Labcorp
Classification: Pathogenic for Hereditary breast ovarian cancer syndrome. Last evaluated: 2019-07-19. Review status: criteria provided, single submitter. Criteria: Invitae Variant Classification Sherloc (09022015). Collection method: clinical testing. Allele origin: germline. Not counted in ClinVar's aggregate classification.
Comment: For these reasons, this variant has been classified as Pathogenic. Loss-of-function variants in BRCA1 are known to be pathogenic (PMID: 20104584). This variant has been observed in an individual affected with ovarian cancer (PMID: 30103829). ClinVar contains an entry for this variant (Variation ID: 548186). This variant is not present in population databases (ExAC no frequency). This sequence change creates a premature translational stop signal (p.Thr293Lysfs*4) in the BRCA1 gene. It is expected to result in an absent or disrupted protein product.

Literature cited by the submitters: PubMed 30103829 (cited by Color Diagnostics, LLC DBA Color Health and Labcorp Genetics (formerly Invitae), Labcorp); PubMed 34072659 (cited by Color Diagnostics, LLC DBA Color Health); PubMed 20104584 (cited by Labcorp Genetics (formerly Invitae), Labcorp).